The following is an entry in ClinVar:

NM_031407.7(HUWE1):c.7032T>G (p.Val2344=)

Gene: HUWE1 (HECT, UBA and WWE domain containing E3 ubiquitin protein ligase 1; minus strand). Cytogenetic location: Xp11.22.
Variant type: single nucleotide variant.
Coding change: c.7032T>G on transcript NM_031407.7 (MANE Select); coding-DNA position 7032, T replaced by G.
Protein change: p.Val2344=; no amino-acid change (valine 2344 retained).
Molecular consequence: synonymous variant.
Genome position (GRCh38, 1-based): chrX:53,563,819, A>C on the plus strand (T>G on the coding strand, the complement: HUWE1 is on the minus strand). VCF-style: chrX-53563819-A-C. GRCh37 (hg19) VCF-style: chrX-53590780-A-C.
Identifiers: ClinVar variation 3771557 (VCV003771557.13).

ClinVar aggregate classification (germline): Uncertain significance (1 of 4 stars; one submission).

Submission:

CeGaT Center for Human Genetics Tuebingen
Classification: Uncertain significance. Last evaluated: 2025-02-01. Review status: criteria provided, single submitter. Criteria: CeGaT Center For Human Genetics Tuebingen Variant Classification Criteria Version 2. Collection method: clinical testing. Allele origin: germline. Affected: yes. Observed: 1 variant allele.
Comment: HUWE1: PM2, BP4